The following is an entry in ClinVar:

NM_015338.6(ASXL1):c.1019A>C (p.Glu340Ala)

Gene: ASXL1 (ASXL transcriptional regulator 1; plus strand). Cytogenetic location: 20q11.21.
Variant type: single nucleotide variant.
Coding change: c.1019A>C on transcript NM_015338.6 (MANE Select); coding-DNA position 1019, A replaced by C.
Protein change: p.Glu340Ala; replaces glutamic acid 340 with alanine.
Molecular consequence: missense variant.
Genome position (GRCh38, 1-based): chr20:32,432,919, A>C. VCF-style: chr20-32432919-A-C. GRCh37 (hg19) VCF-style: chr20-31020722-A-C.
Other names: c.836A>C, p.Glu279Ala (NM_001363734.1); short protein forms E279A, E340A.
Identifiers: ClinVar variation 5030578 (VCV005030578.1).

ClinVar aggregate classification (germline): Uncertain significance (1 of 4 stars; one submission).

Conditions:
Inborn genetic diseases. Identifiers: MedGen C0950123, MeSH D030342.

Submission:

Ambry Genetics
Classification: Uncertain significance for Inborn genetic diseases. Last evaluated: 2026-09-13. Review status: criteria provided, single submitter. Criteria: Ambry Variant Classification Scheme 2023. Collection method: clinical testing. Allele origin: germline.
Comment: The p.E340A variant (also known as c.1019A>C), located in coding exon 11 of the ASXL1 gene, results from an A to C substitution at nucleotide position 1019. The glutamic acid at codon 340 is replaced by alanine, an amino acid with dissimilar properties. This amino acid position is conserved. In addition, this alteration is predicted to be deleterious by in silico analysis. Based on the available evidence, the clinical significance of this variant remains unclear.